The following is an entry in ClinVar:

ClinVar aggregate classification (germline): Uncertain significance (1 of 4 stars; one submission).

Conditions:
Catecholaminergic polymorphic ventricular tachycardia 1. Also called: VENTRICULAR TACHYCARDIA, CATECHOLAMINERGIC POLYMORPHIC, 1, WITH OR WITHOUT ATRIAL DYSFUNCTION AND/OR DILATED CARDIOMYOPATHY; VENTRICULAR TACHYCARDIA, STRESS-INDUCED POLYMORPHIC 1; RYR2-Related Catecholaminergic Polymorphic Ventricular Tachycardia. Identifiers: Orphanet 3286, MedGen C1631597, MONDO:0011484, OMIM 604772.

gnomAD v4.1: 2 of 1,613,640 alleles (0.00012%); highest among the groups gnomAD compares: African/African-American, 0.0013%; no homozygotes.

Submission:

Labcorp Genetics (formerly Invitae), Labcorp
Classification: Uncertain significance for Catecholaminergic polymorphic ventricular tachycardia 1. Last evaluated: 2024-08-31. Review status: criteria provided, single submitter. Criteria: Invitae Variant Classification Sherloc (09022015). Collection method: clinical testing. Allele origin: germline.
Comment: This sequence change creates a premature translational stop signal (p.Arg296*) in the RYR2 gene. It is expected to result in an absent or disrupted protein product. However, the current clinical and genetic evidence is not sufficient to establish whether loss-of-function variants in RYR2 cause disease. This variant is present in population databases (no rsID available, gnomAD 0.003%). This variant has not been reported in the literature in individuals affected with RYR2-related conditions. Experimental studies and prediction algorithms are not available or were not evaluated, and the functional significance of this variant is currently unknown. In summary, the available evidence is currently insufficient to determine the role of this variant in disease. Therefore, it has been classified as a Variant of Uncertain Significance.

NM_001035.3(RYR2):c.886C>T (p.Arg296Ter)

Gene: RYR2 (ryanodine receptor 2; plus strand). Cytogenetic location: 1q43.
Variant type: single nucleotide variant.
Coding change: c.886C>T on transcript NM_001035.3 (MANE Select); coding-DNA position 886, C replaced by T.
Protein change: p.Arg296Ter; replaces arginine 296 with a stop codon.
Molecular consequence: nonsense.
Genome position (GRCh38, 1-based): chr1:237,423,129, C>T. VCF-style: chr1-237423129-C-T. GRCh37 (hg19) VCF-style: chr1-237586429-C-T.
Other names: short protein forms R296*.
Identifiers: ClinVar variation 3675169 (VCV003675169.1).